The following is an entry in ClinVar:

NM_004517.4(ILK):c.193C>T (p.Arg65Cys)

Genes: TAF10 (TATA-box binding protein associated factor 10; minus strand), ILK (integrin linked kinase; plus strand). Cytogenetic location: 11p15.4.
Variant type: single nucleotide variant.
Coding change: c.193C>T on transcript NM_004517.4 (MANE Select); coding-DNA position 193, C replaced by T.
Protein change: p.Arg65Cys; replaces arginine 65 with cysteine.
Molecular consequence: missense variant. On other transcripts: 3 prime UTR variant (1), intron variant (1).
Genome position (GRCh38, 1-based): chr11:6,608,149, C>T. VCF-style: chr11-6608149-C-T. GRCh37 (hg19) VCF-style: chr11-6629379-C-T.
Other names: c.193C>T, p.Arg65Cys (NM_001014794.3, NM_001014795.3, NM_001278441.2); c.*2773G>A (NM_006284.4); c.-147-245C>T (NM_001278442.2); short protein forms R65C.
Identifiers: ClinVar variation 842920 (VCV000842920.10), dbSNP rs776161614, ClinGen allele CA5857969.

ClinVar aggregate classification (germline): Uncertain significance (1 of 4 stars; one submission).

Conditions:
Primary familial hypertrophic cardiomyopathy (HCM). Identifiers: Orphanet 99739, MedGen C0949658, MeSH D024741, MONDO:0024573. Inheritance: Various modes of inheritance.

Allele frequency attached by ClinVar (database versions not stated): TOPMed below 0.00001; gnomAD 0.00001; gnomAD exomes 0.00001 and 0.00002; ExAC 0.00003.
gnomAD v4.1: 7 of 1,613,996 alleles (0.00043%); highest among the groups gnomAD compares: South Asian, 0.0022%; no homozygotes.

Submission:

Labcorp Genetics (formerly Invitae), Labcorp
Classification: Uncertain significance for Primary familial hypertrophic cardiomyopathy. Last evaluated: 2019-01-27. Review status: criteria provided, single submitter. Criteria: Invitae Variant Classification Sherloc (09022015). Collection method: clinical testing. Allele origin: germline.
Comment: In summary, the available evidence is currently insufficient to determine the role of this variant in disease. Therefore, it has been classified as a Variant of Uncertain Significance. Algorithms developed to predict the effect of missense changes on protein structure and function (SIFT, PolyPhen-2, Align-GVGD) all suggest that this variant is likely to be disruptive, but these predictions have not been confirmed by published functional studies and their clinical significance is uncertain. This variant has not been reported in the literature in individuals with ILK-related conditions. This variant is present in population databases (rs776161614, ExAC 0.01%). This sequence change replaces arginine with cysteine at codon 65 of the ILK protein (p.Arg65Cys). The arginine residue is highly conserved and there is a large physicochemical difference between arginine and cysteine.